The following is an entry in ClinVar:

ClinVar aggregate classification (germline): Likely benign (1 of 4 stars; one submission).

Allele frequency attached by ClinVar (database versions not stated): TOPMed 0.00002; gnomAD 0.00003; gnomAD exomes 0.00005; ExAC 0.00023.
gnomAD v4.1: 79 of 1,551,616 alleles (0.0051%); highest among the groups gnomAD compares: South Asian, 0.064%; 2 homozygotes.

Submission:

CeGaT Center for Human Genetics Tuebingen
Classification: Likely benign. Last evaluated: 2023-02-01. Review status: criteria provided, single submitter. Criteria: CeGaT Center For Human Genetics Tuebingen Variant Classification Criteria Version 2. Collection method: clinical testing. Allele origin: germline. Affected: yes. Observed: 1 variant allele.
Comment: TTC28: BP4, BP7

NM_001145418.2(TTC28):c.4017G>A (p.Ser1339=)

Gene: TTC28 (tetratricopeptide repeat domain 28; minus strand). Cytogenetic location: 22q12.1.
Variant type: single nucleotide variant.
Coding change: c.4017G>A on transcript NM_001145418.2 (MANE Select); coding-DNA position 4017, G replaced by A.
Protein change: p.Ser1339=; no amino-acid change (serine 1339 retained).
Molecular consequence: synonymous variant.
Genome position (GRCh38, 1-based): chr22:28,030,282, C>T on the plus strand (G>A on the coding strand, the complement: TTC28 is on the minus strand). VCF-style: chr22-28030282-C-T. GRCh37 (hg19) VCF-style: chr22-28426270-C-T.
Other names: c.4017G>A, p.Ser1339= (NM_001393403.1); c.3663G>A, p.Ser1221= (NM_001393404.1, NM_001393405.1).
Identifiers: ClinVar variation 2653036 (VCV002653036.24), dbSNP rs745548425, ClinGen allele CA10167300.